The following is an entry in ClinVar:

ClinVar aggregate classification (germline): Uncertain significance. Review status: criteria provided, multiple submitters, no conflicts (2 of 4 stars). 2 submissions from 2 submitters: Uncertain significance (2). Last evaluated 2025-08-30.

Conditions:
Cardiovascular phenotype. Identifiers: MedGen CN230736.
Dilated cardiomyopathy 1J (CMD1J). Also called: CARDIOMYOPATHY, DILATED, WITH SENSORINEURAL HEARING LOSS, AUTOSOMAL DOMINANT. Identifiers: Orphanet 217622, MedGen C1854368, MONDO:0011541, OMIM 605362.

Allele frequency attached by ClinVar (database versions not stated): gnomAD exomes 0.00001 and 0.00002; TOPMed 0.00001.

Submissions (2):

Ambry Genetics
Classification: Uncertain significance for Cardiovascular phenotype. Last evaluated: 2025-08-30. Review status: criteria provided, single submitter. Criteria: Ambry Variant Classification Scheme 2023. Collection method: clinical testing. Allele origin: germline.
Comment: The p.L316F variant (also known as c.946C>T), located in coding exon 10 of the EYA4 gene, results from a C to T substitution at nucleotide position 946. The leucine at codon 316 is replaced by phenylalanine, an amino acid with highly similar properties. This amino acid position is conserved. In addition, this alteration is predicted to be tolerated by in silico analysis. Since supporting evidence is limited at this time, the clinical significance of this alteration remains unclear.

Labcorp Genetics (formerly Invitae), Labcorp
Classification: Uncertain significance for Dilated cardiomyopathy 1J. Last evaluated: 2025-02-17. Review status: criteria provided, single submitter. Criteria: Invitae Variant Classification Sherloc (09022015). Collection method: clinical testing. Allele origin: germline.
Comment: This sequence change replaces leucine, which is neutral and non-polar, with phenylalanine, which is neutral and non-polar, at codon 316 of the EYA4 protein (p.Leu316Phe). This variant is present in population databases (no rsID available, gnomAD 0.01%). This variant has not been reported in the literature in individuals affected with EYA4-related conditions. ClinVar contains an entry for this variant (Variation ID: 1379897). Invitae Evidence Modeling of protein sequence and biophysical properties (such as structural, functional, and spatial information, amino acid conservation, physicochemical variation, residue mobility, and thermodynamic stability) indicates that this missense variant is not expected to disrupt EYA4 protein function with a negative predictive value of 80%. In summary, the available evidence is currently insufficient to determine the role of this variant in disease. Therefore, it has been classified as a Variant of Uncertain Significance.

NM_004100.5(EYA4):c.946C>T (p.Leu316Phe)

Gene: EYA4 (EYA transcriptional coactivator and phosphatase 4; plus strand). Cytogenetic location: 6q23.2.
Variant type: single nucleotide variant.
Coding change: c.946C>T on transcript NM_004100.5 (MANE Select); coding-DNA position 946, C replaced by T.
Protein change: p.Leu316Phe; replaces leucine 316 with phenylalanine.
Molecular consequence: missense variant.
Genome position (GRCh38, 1-based): chr6:133,468,707, C>T. VCF-style: chr6-133468707-C-T. GRCh37 (hg19) VCF-style: chr6-133789845-C-T.
Other names: c.784C>T, p.Leu262Phe (NM_001301012.2, NM_001370459.1); c.946C>T, p.Leu316Phe (NM_001301013.2, NM_172105.4); c.877C>T, p.Leu293Phe (NM_001370458.1, NM_172103.4); c.946C>T (NM_004100.4); short protein forms L293F, L316F, L262F.
Identifiers: ClinVar variation 1379897 (VCV001379897.11), dbSNP rs1188519938, ClinGen allele CA365703880.